The following is an entry in ClinVar:

NM_020223.4(FAM20C):c.157G>T (p.Ala53Ser)

Gene: FAM20C (FAM20C golgi associated secretory pathway kinase; plus strand). Cytogenetic location: 7p22.3.
Variant type: single nucleotide variant.
Coding change: c.157G>T on transcript NM_020223.4 (MANE Select); coding-DNA position 157, G replaced by T.
Protein change: p.Ala53Ser; replaces alanine 53 with serine.
Molecular consequence: missense variant.
Genome position (GRCh38, 1-based): chr7:193,356, G>T. VCF-style: chr7-193356-G-T. GRCh37 (hg19) VCF-style: chr7-193356-G-T.
Other names: short protein forms A53S.
Identifiers: ClinVar variation 1900478 (VCV001900478.5), dbSNP rs2534527206, ClinGen allele CA366522701.

ClinVar aggregate classification (germline): Uncertain significance (1 of 4 stars; one submission).

Submission:

Labcorp Genetics (formerly Invitae), Labcorp
Classification: Uncertain significance. Last evaluated: 2024-02-24. Review status: criteria provided, single submitter. Criteria: Invitae Variant Classification Sherloc (09022015). Collection method: clinical testing. Allele origin: germline.
Comment: This sequence change replaces alanine, which is neutral and non-polar, with serine, which is neutral and polar, at codon 53 of the FAM20C protein (p.Ala53Ser). This variant is not present in population databases (gnomAD no frequency). This variant has not been reported in the literature in individuals affected with FAM20C-related conditions. ClinVar contains an entry for this variant (Variation ID: 1900478). Algorithms developed to predict the effect of missense changes on protein structure and function output the following: SIFT: "Not Available"; PolyPhen-2: "Benign"; Align-GVGD: "Not Available". The serine amino acid residue is found in multiple mammalian species, which suggests that this missense change does not adversely affect protein function. In summary, the available evidence is currently insufficient to determine the role of this variant in disease. Therefore, it has been classified as a Variant of Uncertain Significance.